The following is an entry in ClinVar:

ClinVar aggregate classification (germline): Uncertain significance (1 of 4 stars; one submission).

Submission:

Ambry Genetics
Classification: Uncertain significance. Last evaluated: 2025-08-29. Review status: criteria provided, single submitter. Criteria: Ambry Variant Classification Scheme 2023. Collection method: clinical testing. Allele origin: germline.
Comment: The p.I1228V variant (also known as c.3682A>G), located in coding exon 15 of the WNK2 gene, results from an A to G substitution at nucleotide position 3682. The isoleucine at codon 1228 is replaced by valine, an amino acid with highly similar properties. This amino acid position is conserved. In addition, this alteration is predicted to be tolerated by in silico analysis. Based on the available evidence, the clinical significance of this variant remains unclear.

NM_006648.4(WNK2):c.3682A>G (p.Ile1228Val)

Gene: WNK2 (WNK lysine deficient protein kinase 2; plus strand). Cytogenetic location: 9q22.31.
Variant type: single nucleotide variant.
Coding change: c.3682A>G on transcript NM_006648.4 (MANE Select); coding-DNA position 3682, A replaced by G.
Protein change: p.Ile1228Val; replaces isoleucine 1228 with valine.
Molecular consequence: missense variant.
Genome position (GRCh38, 1-based): chr9:93,264,019, A>G. VCF-style: chr9-93264019-A-G. GRCh37 (hg19) VCF-style: chr9-96026301-A-G.
Other names: c.3682A>G, p.Ile1228Val (NM_001282394.3); short protein forms I1228V.
Identifiers: ClinVar variation 4201838 (VCV004201838.1).